The following is an entry in ClinVar:

NM_138694.4(PKHD1):c.4226_4236del (p.Val1409fs)

Gene: PKHD1 (PKHD1 ciliary IPT domain containing fibrocystin/polyductin; minus strand). Cytogenetic location: 6p12.2.
Variant type: Deletion.
Coding change: c.4226_4236del on transcript NM_138694.4 (MANE Select); coding-DNA positions 4226 to 4236, 11 bases deleted (TGAGGGGGTTG).
Protein change: p.Val1409fs; shifts the reading frame from valine 1409.
Molecular consequence: frameshift variant.
Genome position (GRCh38, 1-based): chr6:52,025,574-52,025,584, CAACCCCCTCA deleted on the plus strand (TGAGGGGGTTG on the coding strand, the reverse complement: PKHD1 is on the minus strand); deleting any 11 consecutive bases within chr6:52,025,574-52,025,586 gives the same sequence; the c. name uses the placement nearest the transcript's 3' end. VCF-style (leftmost placement, unchanged base first): chr6-52025573-GCAACCCCCTCA-G. GRCh37 (hg19) VCF-style: chr6-51890371-GCAACCCCCTCA-G.
Other names: c.4226_4236del, p.Val1409fs (NM_170724.3); short protein forms V1409fs.
Identifiers: ClinVar variation 4816660 (VCV004816660.2).

ClinVar aggregate classification (germline): Pathogenic/Likely pathogenic. Review status: criteria provided, multiple submitters, no conflicts (2 of 4 stars). 2 submissions from 2 submitters: Pathogenic (1); Likely pathogenic (1). Last evaluated 2026-03-12.

Conditions:
Autosomal recessive polycystic kidney disease (ARPKD). Also called: AR polycystic kidney disease. Identifiers: Orphanet 731, Orphanet 8378, MedGen C0085548, MeSH D017044, MONDO:0009889.
Polycystic kidney disease 4 (PKD4). Also called: Autosomal Recessive Polycystic Kidney Disease – PKHD1; POLYCYSTIC KIDNEY AND HEPATIC DISEASE 1; POLYCYSTIC KIDNEY DISEASE, INFANTILE, TYPE I; POLYCYSTIC KIDNEY DISEASE 4 WITH OR WITHOUT POLYCYSTIC LIVER DISEASE; PKD3. Identifiers: MedGen C4540575, MONDO:0033004, OMIM 263200.

Submissions (2):

Myriad Genetics, Inc.
Classification: Pathogenic for Polycystic kidney disease 4. Last evaluated: 2026-03-12. Review status: criteria provided, single submitter. Criteria: Myriad Autosomal Dominant, Autosomal Recessive and X-Linked Classification Criteria (2023). Collection method: clinical testing. Allele origin: unknown.
Comment: NM_138694.3(PKHD1):c.4226_4236del11(V1409Afs*3) is expected to be pathogenic in the context of autosomal recessive polycystic kidney disease, PKHD1-related. This variant is predicted to lead to an abnormal or absent protein product due to the creation of a premature termination codon in PKHD1, a gene where loss-of-function variants are known to be pathogenic. Please note: this variant was assessed in the context of healthy population screening.

Natera, Inc.
Classification: Likely pathogenic for Autosomal recessive polycystic kidney disease. Last evaluated: 2024-11-25. Review status: criteria provided, single submitter. Criteria: Natera Variant Classification Schema (03/2026). Collection method: clinical testing. Allele origin: germline.
Comment: The c.4226_4236delTGAGGGGGTTG variant in PKHD1 is a frameshift variant predicted to shift the reading frame beginning at codon 1409 and leads to a stop codon 3 codons downstream. This variant is expected to result in nonsense mediated decay, truncation, or a dysfunctional protein product. This variant is rare in the general population with a frequency below the threshold expected for the associated phenotype(s). Given the available evidence, this variant is classified as Likely Pathogenic.